The following is an entry in ClinVar:

ClinVar aggregate classification (germline): Uncertain significance. Review status: criteria provided, multiple submitters, no conflicts (2 of 4 stars). 3 submissions from 3 submitters: Uncertain significance (3). Last evaluated 2025-08-15.

Conditions:
Charcot-Marie-Tooth disease type 4A. Also called: Charcot-Marie-Tooth disease, demyelinating, autosomal recessive, type 4a. Identifiers: Orphanet 99948, MedGen C1859198, MONDO:0008961, OMIM 214400.

Allele frequency attached by ClinVar (database versions not stated): gnomAD exomes below 0.00001.
gnomAD v4.1: 1 of 1,614,134 alleles (0.000062%); no homozygotes.

Submissions (3):

Labcorp Genetics (formerly Invitae), Labcorp
Classification: Uncertain significance for Charcot-Marie-Tooth disease type 4A. Last evaluated: 2025-08-15. Review status: criteria provided, single submitter. Criteria: Invitae Variant Classification Sherloc (09022015). Collection method: clinical testing. Allele origin: germline.
Comment: This sequence change replaces valine, which is neutral and non-polar, with aspartic acid, which is acidic and polar, at codon 326 of the GDAP1 protein (p.Val326Asp). This variant is present in population databases (no rsID available, gnomAD 0.0009%). This missense change has been observed in individual(s) with clinical features of GDAP1-related conditions (internal data). In at least one individual the data is consistent with being in trans (on the opposite chromosome) from a pathogenic variant. ClinVar contains an entry for this variant (Variation ID: 569746). Invitae Evidence Modeling of protein sequence and biophysical properties (such as structural, functional, and spatial information, amino acid conservation, physicochemical variation, residue mobility, and thermodynamic stability) indicates that this missense variant is not expected to disrupt GDAP1 protein function with a negative predictive value of 80%. In summary, the available evidence is currently insufficient to determine the role of this variant in disease. Therefore, it has been classified as a Variant of Uncertain Significance.

GeneDx
Classification: Uncertain significance. Last evaluated: 2024-08-07. Review status: criteria provided, single submitter. Criteria: GeneDx Variant Classification Process June 2021. Collection method: clinical testing. Allele origin: germline. Affected: yes.
Comment: Not observed at significant frequency in large population cohorts (gnomAD); In silico analysis indicates that this missense variant does not alter protein structure/function; Has not been previously published as pathogenic or benign to our knowledge; This variant is associated with the following publications: (PMID: 20685671, 20849849, 23628762)

Athena Diagnostics
Classification: Uncertain significance. Last evaluated: 2018-07-30. Review status: criteria provided, single submitter. Criteria: Athena Diagnostics Criteria. Collection method: clinical testing. Allele origin: germline.

NM_018972.4(GDAP1):c.977T>A (p.Val326Asp)

Gene: GDAP1 (ganglioside induced differentiation associated protein 1; plus strand). Cytogenetic location: 8q21.11.
Variant type: single nucleotide variant.
Coding change: c.977T>A on transcript NM_018972.4 (MANE Select); coding-DNA position 977, T replaced by A.
Protein change: p.Val326Asp; replaces valine 326 with aspartic acid.
Molecular consequence: missense variant. On other transcripts: intron variant (1).
Genome position (GRCh38, 1-based): chr8:74,364,267, T>A. VCF-style: chr8-74364267-T-A. GRCh37 (hg19) VCF-style: chr8-75276502-T-A.
Other names: c.773T>A, p.Val258Asp (NM_001040875.4); c.650T>A, p.Val217Asp (NM_001362929.2, NM_001362932.2); c.803T>A, p.Val268Asp (NM_001362930.2); c.694+1214T>A (NM_001362931.2); short protein forms V326D, V258D, V268D, V217D.
Identifiers: ClinVar variation 569746 (VCV000569746.9), dbSNP rs1416176817, ClinGen allele CA371550660.